The following is an entry in ClinVar:

NM_005045.4(RELN):c.4733G>A (p.Trp1578Ter)

Gene: RELN (reelin; minus strand). Cytogenetic location: 7q22.1.
Variant type: single nucleotide variant.
Coding change: c.4733G>A on transcript NM_005045.4 (MANE Select); coding-DNA position 4733, G replaced by A.
Protein change: p.Trp1578Ter; replaces tryptophan 1578 with a stop codon.
Molecular consequence: nonsense.
Genome position (GRCh38, 1-based): chr7:103,566,615, C>T on the plus strand (G>A on the coding strand, the complement: RELN is on the minus strand). VCF-style: chr7-103566615-C-T. GRCh37 (hg19) VCF-style: chr7-103207062-C-T.
Other names: c.4733G>A, p.Trp1578Ter (NM_173054.3); short protein forms W1578*.
Identifiers: ClinVar variation 4814155 (VCV004814155.1).
Genomic context (GRCh38, chr7:103,566,615, plus strand): 5'-TCATGACCTAAAAGCTACCAGAAAGCTGGAGTGAGCAGTAACTTACCATGTTGCGGTTGC[C>T]ACCATCGAAATGCCGTTGCAGGTGTCTTCGCGTCCTGTGGCAGGTCAATGGAAATGATCT-3'

ClinVar aggregate classification (germline): Likely pathogenic (1 of 4 stars; one submission).

Conditions:
Familial temporal lobe epilepsy 7. Identifiers: Orphanet 101046, MedGen C4225327, MONDO:0014639, OMIM 616436.

gnomAD v4.1: 1 of 1,614,158 alleles (0.000062%); highest among the groups gnomAD compares: Non-Finnish European, 0.000085%; no homozygotes.

Submission:

OLLIN Analises Genomicas, OLLIN
Classification: Likely pathogenic for Familial temporal lobe epilepsy 7. Last evaluated: 2025-08-05. Review status: criteria provided, single submitter. Criteria: ACMG Guidelines 2015 PMID 25741868. Collection method: clinical testing. Allele origin: germline. Affected: yes. Observed: 1 variant allele.
Comment: The nonsense variant (chr7:103566615C>T), located in exon 32 (of 65), described in gnomAD v4.1 non-UKB with an allele frequency of 0.00016% (in heterozygosity in one individual), is not reported in ClinVar nor in the scientific literature. It introduces a premature stop codon, resulting in a truncated protein or mRNA degradation via nonsense-mediated decay (NMD). According to currently available evidence, this variant has been classified as likely pathogenic (PVS1, PM2_P).